The following is an entry in ClinVar:

ClinVar aggregate classification (germline): Pathogenic (1 of 4 stars; one submission).

Conditions:
Developmental and epileptic encephalopathy, 9 (DEE9). Also called: Early infantile epileptic encephalopathy 9; EPILEPSY, FEMALE-RESTRICTED, WITH MENTAL RETARDATION; JUBERG-HELLMAN SYNDROME; PCDH19-Related X-Linked Female-Limited Epilepsy with Mental Retardation. Identifiers: Orphanet 101039, Orphanet 2076, MedGen C1848137, MONDO:0010246, OMIM 300088. Disease mechanism: loss of function.

Submission:

Labcorp Genetics (formerly Invitae), Labcorp
Classification: Pathogenic for Developmental and epileptic encephalopathy, 9. Last evaluated: 2023-06-19. Review status: criteria provided, single submitter. Criteria: Invitae Variant Classification Sherloc (09022015). Collection method: clinical testing. Allele origin: germline.
Comment: For these reasons, this variant has been classified as Pathogenic. Advanced modeling of protein sequence and biophysical properties (such as structural, functional, and spatial information, amino acid conservation, physicochemical variation, residue mobility, and thermodynamic stability) performed at Invitae indicates that this missense variant is expected to disrupt PCDH19 protein function. ClinVar contains an entry for this variant (Variation ID: 1021031). This missense change has been observed in individual(s) with epilepsy (PMID: 25227595, 30451291, 33176815). In at least one individual the variant was observed to be de novo. This variant is not present in population databases (gnomAD no frequency). This sequence change replaces proline, which is neutral and non-polar, with serine, which is neutral and polar, at codon 149 of the PCDH19 protein (p.Pro149Ser).

Literature cited by the submitters: PubMed 25227595; PubMed 30451291; PubMed 33176815.

NM_001184880.2(PCDH19):c.445C>T (p.Pro149Ser)

Gene: PCDH19 (protocadherin 19; minus strand). Cytogenetic location: Xq22.1.
Variant type: single nucleotide variant.
Coding change: c.445C>T on transcript NM_001184880.2 (MANE Select); coding-DNA position 445, C replaced by T.
Protein change: p.Pro149Ser; replaces proline 149 with serine.
Molecular consequence: missense variant.
Genome position (GRCh38, 1-based): chrX:100,408,153, G>A on the plus strand (C>T on the coding strand, the complement: PCDH19 is on the minus strand). VCF-style: chrX-100408153-G-A. GRCh37 (hg19) VCF-style: chrX-99663151-G-A.
Other names: c.445C>T, p.Pro149Ser (NM_001105243.2, NM_020766.3); short protein forms P149S.
Identifiers: ClinVar variation 1021031 (VCV001021031.9), dbSNP rs1928459143, ClinGen allele CA414009674.